The following is an entry in ClinVar:

ClinVar aggregate classification (germline): Benign/Likely benign. Review status: criteria provided, multiple submitters, no conflicts (2 of 4 stars). 3 submissions from 3 submitters: Benign (1); Likely benign (2). Last evaluated 2025-03-17.

Conditions:
Pheochromocytoma/paraganglioma syndrome 3. Also called: Paragangliomas 3; SDHC-Related Hereditary Paraganglioma-Pheochromocytoma Syndrome (Paragangliomas 3); SDHC-Related Hereditary Paraganglioma-Pheochromocytoma Syndrome; GLOMUS TUMORS, FAMILIAL, 3. Identifiers: Orphanet 29072, MedGen C1854336, MONDO:0011544, OMIM 605373.
Gastrointestinal stromal tumor. Also called: Gastrointestinal stroma tumor; Gastrointestinal stromal tumor, somatic. Identifiers: Orphanet 44890, MedGen C0238198, MeSH D046152, MONDO:0011719, OMIM 606764, HP:0100723.
Hereditary cancer-predisposing syndrome. Also called: Neoplastic Syndromes, Hereditary; Hereditary Cancer Syndrome; Hereditary neoplastic syndrome; Tumor predisposition. Identifiers: Orphanet 140162, MedGen C0027672, MeSH D009386, MONDO:0015356.

gnomAD v4.1: 2 of 1,613,480 alleles (0.00012%); highest among the groups gnomAD compares: Middle Eastern, 0.017%; no homozygotes.

Submissions (3):

Myriad Genetics, Inc.
Classification: Benign for Pheochromocytoma/paraganglioma syndrome 3. Last evaluated: 2025-03-17. Review status: criteria provided, single submitter. Criteria: Myriad Autosomal Dominant, Autosomal Recessive and X-Linked Classification Criteria (2023). Collection method: clinical testing. Allele origin: unknown.
Comment: This variant is considered benign. This variant is a silent/synonymous amino acid change and it is not expected to impact splicing.

Ambry Genetics
Classification: Likely benign for Hereditary cancer-predisposing syndrome. Last evaluated: 2024-09-14. Review status: criteria provided, single submitter. Criteria: Ambry Variant Classification Scheme 2023. Collection method: clinical testing. Allele origin: germline.

Labcorp Genetics (formerly Invitae), Labcorp
Classification: Likely benign for Pheochromocytoma/paraganglioma syndrome 3; Gastrointestinal stromal tumor. Last evaluated: 2024-06-12. Review status: criteria provided, single submitter. Criteria: Invitae Variant Classification Sherloc (09022015). Collection method: clinical testing. Allele origin: germline.

NM_003001.5(SDHC):c.423A>G (p.Lys141=)

Gene: SDHC (succinate dehydrogenase complex subunit C; plus strand). Cytogenetic location: 1q23.3.
Variant type: single nucleotide variant.
Coding change: c.423A>G on transcript NM_003001.5 (MANE Select); coding-DNA position 423, A replaced by G.
Protein change: p.Lys141=; no amino-acid change (lysine 141 retained).
Molecular consequence: synonymous variant. On other transcripts: missense variant (3), non-coding transcript variant (1).
Genome position (GRCh38, 1-based): chr1:161,362,346, A>G. VCF-style: chr1-161362346-A-G. GRCh37 (hg19) VCF-style: chr1-161332136-A-G.
Other names: c.259A>G, p.Arg87Gly (NM_001035511.3); c.321A>G, p.Lys107= (NM_001035512.3); c.264A>G, p.Lys88= (NM_001035513.3); c.157A>G, p.Arg53Gly (NM_001278172.3); c.543A>G, p.Lys181= (NM_001407115.1); c.366A>G, p.Lys122= (NM_001407116.1); c.360A>G, p.Lys120= (NM_001407117.1); c.315A>G, p.Lys105= (NM_001407118.1); and 2 more; short protein forms R53G, R87G, R68G.
Identifiers: ClinVar variation 1113621 (VCV001113621.12), dbSNP rs2102385065, ClinGen allele CA343457609.